The following is an entry in ClinVar:

NM_000474.4(TWIST1):c.460A>T (p.Arg154Trp)

Genes: TWIST1 (twist family bHLH transcription factor 1; minus strand), LOC129998021 (ATAC-STARR-seq lymphoblastoid active region 25682; plus strand). Cytogenetic location: 7p21.1.
Variant type: single nucleotide variant.
Coding change: c.460A>T on transcript NM_000474.4 (MANE Select); coding-DNA position 460, A replaced by T.
Protein change: p.Arg154Trp; replaces arginine 154 with tryptophan.
Molecular consequence: missense variant. On other transcripts: non-coding transcript variant (1).
Genome position (GRCh38, 1-based): chr7:19,116,862, T>A on the plus strand (A>T on the coding strand, the complement: TWIST1 is on the minus strand). VCF-style: chr7-19116862-T-A. GRCh37 (hg19) VCF-style: chr7-19156485-T-A.
Other names: short protein forms R154W.
Identifiers: ClinVar variation 4293879 (VCV004293879.1).

ClinVar aggregate classification (germline): Uncertain significance (1 of 4 stars; one submission).

Conditions:
Saethre-Chotzen syndrome (SCS). Also called: ACROCEPHALY, SKULL ASYMMETRY, AND MILD SYNDACTYLY; ACS III; CHOTZEN SYNDROME. Identifiers: Orphanet 794, MedGen C0175699, MONDO:0007042, OMIM 101400.

Submission:

3billion
Classification: Uncertain significance for Saethre-Chotzen syndrome. Last evaluated: 2024-08-26. Review status: criteria provided, single submitter. Criteria: ACMG Guidelines, 2015. Collection method: clinical testing. Allele origin: germline. Affected: yes.
Comment: The variant is not observed in the gnomAD v4.0.0 dataset. Predicted Consequence/Location: The variant is located in a mutational hot spot and/or well-established functional domain in which established pathogenic variants have been reported (PMID: 21876555). In silico tool predictions suggest damaging effect of the variant on gene or gene product [REVEL: 0.81 (>=0.6, sensitivity 0.68 and specificity 0.92); 3Cnet: 0.97 (>=0.6, sensitivity 0.72 and precision 0.9)]. A different missense change at the same codon (p.Arg154Gly) has been reported to be associated with TWIST1 related disorder (PMID: 9259286). However the evidence of pathogenicity is insufficient at this time. Therefore, this variant is classified as VUS according to the recommendation of ACMG/AMP guideline.

Literature cited by the submitters: PubMed 9259286; PubMed 21876555.